The following is an entry in ClinVar:

ClinVar aggregate classification (germline): Conflicting classifications of pathogenicity. Review status: criteria provided, conflicting classifications (1 of 4 stars). 22 submissions from 20 submitters: Pathogenic (2); Likely pathogenic (11); Uncertain significance (6); Likely benign (1). 2 of the submissions do not count toward it. Last evaluated 2026-07-31.

Conditions:
Thrombus. Identifiers: MedGen C0087086, MeSH D013927.
Abnormal bleeding. Also called: Bleeding diathesis. Identifiers: MedGen C1458140, HP:0001892.
Thrombocytopenia. Identifiers: MedGen C0040034, MeSH D013921, MONDO:0002049, HP:0001873.
Familial dysfibrinogenemia. Also called: Dysfibrinogenemia, congenital. Identifiers: Orphanet 335, Orphanet 98881, MedGen C0272350, MONDO:0014452, OMIM 616004.
Congenital afibrinogenemia. Identifiers: Orphanet 335, Orphanet 98880, MedGen C2584774, MONDO:0008737, OMIM 202400.
FGG-related disorder. Also called: FGG-related condition.
Hereditary factor I deficiency disease. Also called: Congenital fibrinogen deficiency. Identifiers: Orphanet 335, Orphanet 98880, MedGen C0019250, MONDO:0018060.

Allele frequency attached by ClinVar (database versions not stated): 1000 Genomes Project 0.00160; 1000 Genomes Project 30x 0.00187; TOPMed 0.00187; gnomAD exomes 0.00195 and 0.00319; gnomAD 0.00218 and 0.00222; ExAC 0.00221; ESP Exome Variant Server 0.00262.
gnomAD v4.1: 4,885 of 1,611,606 alleles (0.3%); highest among the groups gnomAD compares: Non-Finnish European, 0.38%; 12 homozygotes.

Submissions 1 to 11 of 22:

PreventionGenetics, part of Exact Sciences
Classification: Uncertain significance for FGG-related condition. Last evaluated: 2026-07-31. Review status: criteria provided, single submitter. Criteria: ACMG Guidelines, 2015. Collection method: clinical testing. Allele origin: germline.
Comment: The FGG c.323C>G variant is predicted to result in the amino acid substitution p.Ala108Gly. This variant has been reported in patients with hypofibrinogenemia or dysfibrinogenemia, although conclusive evidence of pathogenicity was not presented (legacy nomenclature p.Ala82Gly; Smith et al. 2018. PubMed ID: 30349899; Huffman et al. 2015. PubMedID: 26105150; de Moerloose et al. 2013. PubMed ID: 23852822; Duga et al. 2005. PubMedID 15842357; Brennan et al. 2000. PubMedID: 10688828). This variant is reported in 0.36% of alleles in individuals of European (Non-Finnish) descent in gnomAD. GWAS studies indicate this variant has a significant but modest effect on blood fibrinogen levels with a decrease of 21 % (Huffman et al. 2015. PubMedID: 26105150). This variant is listed in ClinVar with conflicting interpretations of pathogenicity​ of pathogenic (3), likely pathogenic (11), and uncertain significance (4) (Variant ID: 547969). Although we suspect that this variant may be pathogenic, at this time, the clinical significance of this variant is uncertain due to the absence of conclusive functional and genetic evidence.

Women's Health and Genetics/Laboratory Corporation of America, LabCorp
Classification: Uncertain significance. Last evaluated: 2026-05-28. Review status: criteria provided, single submitter. Criteria: LabCorp Variant Classification Summary - May 2015. Collection method: clinical testing. Allele origin: germline.
Comment: Variant summary: FGG c.323C>G (p.Ala108Gly) results in a non-conservative amino acid change in the encoded protein sequence. Algorithms developed to predict the effect of missense changes on protein structure and function are either unavailable or do not agree on the potential impact of this missense change. The variant allele was found at a frequency of 0.003 in 1611606 control chromosomes, predominantly at a frequency of 0.0038 within the Non-Finnish European subpopulation in the gnomAD database, including 12 homozygotes. The observed variant frequency within Non-Finnish European control individuals in the gnomAD database exceeds the estimated maximal expected allele frequency for disease-causing variants in FGG based on universal frequency cutoffs, however we note that disorders associated with FGG include mildly symptomatic/asymptomatic individuals which may complicate interpretation of gnomAD data. c.323C>G has been reported in the literature in numerous individuals affected with various coagulation disorders, including Hypofibrinogenemia, Dysfibrinogenemia, Thrombocytopenia, Familial multiple coagulation factor deficiencies (FMCFD) with or without a second variant, and also with co-occurring variants in other coagulation genes (example, Brennan_2000, Downes_2019, Preisler_2021, Saes_2019, Smith_2018, Couzens_2022, Weronska_2022). These occurrences are inconsistent with an established inheritance pattern (i.e., dominant or recessive) and indicate that the variant may be associated with disease. To our knowledge this variant has not demonstrated segregation within families. The variant was found to be present at a relatively high frequency in European populations (0.3%-0.4%) and was associated with only a small estimated effect size on plasma fibrinogen (21.1% lower fibrinogen level per copy of the minor allele) in a GWAS (Huffman_2015), which raises questions about whether it is a causative autosomal dominant variant with variable penetrance and expressivity, an autosomal recessive variant, or a risk-enhancing variant in a possible oligogenic model of inheritance influencing phenotypic heterogeneity (Ramanan_2023). To our knowledge, no experimental evidence demonstrating an impact on protein function in an isolated in vitro system has been reported. The following publications have been ascertained in the context of this evaluation (PMID: 10688828, 35809055, 31064749, 26105150, 33477601, 37583269, 30431218, 30349899, 35975558, 32852326, 41641643, 38286442). ClinVar contains an entry for this variant (Variation ID: 547969). Based on the evidence outlined above, the variant was classified as VUS-possibly benign.

Labcorp Genetics (formerly Invitae), Labcorp
Classification: Likely benign. Last evaluated: 2026-01-12. Review status: criteria provided, single submitter. Criteria: Invitae Variant Classification Sherloc (09022015). Collection method: clinical testing. Allele origin: germline.

Victorian Clinical Genetics Services, Murdoch Childrens Research Institute
Classification: Uncertain significance for Hereditary factor I deficiency disease. Last evaluated: 2025-11-03. Review status: criteria provided, single submitter. Criteria: ACMG Guidelines, 2015. Collection method: clinical testing. Allele origin: germline. Affected: yes.
Comment: This variant is classified as VUS-3A. Evidence in support of pathogenic classification: Variant is present in gnomAD <0.01 (v4: 4861 heterozygote(s), 12 homozygote(s)). Additional information: Variant is predicted to result in a missense amino acid change from Ala to Gly; This variant is heterozygous; This gene is associated with both recessive and dominant disease (OMIM); Previous evidence of pathogenicity for this variant is inconclusive. This variant has been classified as likely pathogenic/pathogenic, VUS, and likely benign by clinical laboratories in ClinVar. In addition, this variant has been reported in the literature in a heterozygous state in individuals with mild hypofibrinogenemia, however asymptomatic heterozygous individuals have also been reported (PMIDs: 35975558, 31479941, 33477601, 32852326). This variant has been reported in a compound heterozygous state in at least one individual with hypofibrinogenemia and global developmental delay (PMID: 35809055); Missense variant with inconclusive in silico prediction and/or uninformative conservation; Loss of function is a known mechanism of disease in this gene and is associated with congenital fibrinogen deficiency (MONDO:0018060), FGG-related.

Center for Genomic Medicine, Rigshospitalet, Copenhagen University Hospital
Classification: Likely pathogenic. Last evaluated: 2025-03-04. Review status: criteria provided, single submitter. Criteria: ACMG Guidelines, 2015. Collection method: clinical testing. Allele origin: germline.

Laboratory of Genetics, Children's Clinical University Hospital Latvia
Classification: Likely pathogenic. Last evaluated: 2025-02-16. Review status: criteria provided, single submitter. Criteria: ACMG Guidelines, 2015. Collection method: clinical testing. Allele origin: germline. Affected: yes.

Blueprint Genetics
Classification: Uncertain significance. Last evaluated: 2024-10-18. Review status: criteria provided, single submitter. Criteria: ACMG Guidelines, 2015. Collection method: clinical testing. Allele origin: germline.

Department of Pathology and Laboratory Medicine, Sinai Health System
Classification: Uncertain significance for Congenital afibrinogenemia. Last evaluated: 2023-01-23. Review status: criteria provided, single submitter. Criteria: ACMG Guidelines, 2015. Collection method: research. Allele origin: germline.

Mendelics
Classification: Pathogenic for Congenital afibrinogenemia. Last evaluated: 2022-05-04. Review status: criteria provided, single submitter. Criteria: Mendelics Assertion Criteria 2019. Collection method: clinical testing. Allele origin: germline.

CeGaT Center for Human Genetics Tuebingen
Classification: Pathogenic. Last evaluated: 2022-05-01. Review status: criteria provided, single submitter. Criteria: CeGaT Center For Human Genetics Tuebingen Variant Classification Criteria Version 2. Collection method: clinical testing. Allele origin: germline. Affected: yes. Observed: 5 variant alleles.
Comment: FGG: PP4:Strong, PS4, PP2, PS3:Supporting

Mayo Clinic Laboratories, Mayo Clinic
Classification: Likely pathogenic. Last evaluated: 2021-12-06. Review status: criteria provided, single submitter. Criteria: ACMG Guidelines, 2015. Collection method: clinical testing. Allele origin: germline.
Comment: PP1, PM2, PM3, PS4_Moderate

NM_021870.3(FGG):c.323C>G (p.Ala108Gly)

Gene: FGG (fibrinogen gamma chain; minus strand). Cytogenetic location: 4q32.1.
Variant type: single nucleotide variant.
Coding change: c.323C>G on transcript NM_021870.3 (MANE Select); coding-DNA position 323, C replaced by G.
Protein change: p.Ala108Gly; replaces alanine 108 with glycine.
Molecular consequence: missense variant.
Genome position (GRCh38, 1-based): chr4:154,611,883, G>C on the plus strand (C>G on the coding strand, the complement: FGG is on the minus strand). VCF-style: chr4-154611883-G-C. GRCh37 (hg19) VCF-style: chr4-155533035-G-C.
Other names: p.Ala108Gly; c.323C>G, p.Ala108Gly (NM_000509.6); short protein forms A108G.
Identifiers: ClinVar variation 547969 (VCV000547969.84), dbSNP rs148685782, ClinGen allele CA3115670.
Genomic context (GRCh38, chr4:154,611,883, plus strand): 5'-GTTAAAATCGATGCTTCATATTTCATAATTTCTTCTAACATTTTCCTGGACTTCAAAGTA[G>C]CAGCGTCTATCATATCTGTAATATAGGATCAGAGACATAAAAATCCTTAAGCAAATAGAA-3'
Protein context (NP_068656.2, residues 98-118): ESSKPNMIDA[Ala108Gly]TLKSRKMLEE